The following is an entry in ClinVar:

ClinVar aggregate classification (germline): Uncertain significance (1 of 4 stars; one submission).

gnomAD v4.1: 1 of 1,607,820 alleles (0.000062%); no homozygotes.

Submission:

Labcorp Genetics (formerly Invitae), Labcorp
Classification: Uncertain significance. Last evaluated: 2021-04-06. Review status: criteria provided, single submitter. Criteria: Invitae Variant Classification Sherloc (09022015). Collection method: clinical testing. Allele origin: germline.
Comment: In summary, the available evidence is currently insufficient to determine the role of this variant in disease. Therefore, it has been classified as a Variant of Uncertain Significance. Algorithms developed to predict the effect of missense changes on protein structure and function are either unavailable or do not agree on the potential impact of this missense change (SIFT: "Tolerated"; PolyPhen-2: "Possibly Damaging"; Align-GVGD: "Class C0"). This variant has not been reported in the literature in individuals with SEPT9-related conditions. This variant is not present in population databases (ExAC no frequency). This sequence change replaces proline with arginine at codon 167 of the SEPT9 protein (p.Pro167Arg). The proline residue is weakly conserved and there is a moderate physicochemical difference between proline and arginine.

NM_001113491.2(SEPTIN9):c.554C>G (p.Pro185Arg)

Gene: SEPTIN9 (septin 9; plus strand). Cytogenetic location: 17q25.3.
Variant type: single nucleotide variant.
Coding change: c.554C>G on transcript NM_001113491.2 (MANE Select); coding-DNA position 554, C replaced by G.
Protein change: p.Pro185Arg; replaces proline 185 with arginine.
Molecular consequence: missense variant.
Genome position (GRCh38, 1-based): chr17:77,402,536, C>G. VCF-style: chr17-77402536-C-G. GRCh37 (hg19) VCF-style: chr17-75398618-C-G.
Other names: c.62C>G, p.Pro21Arg (NM_001113492.2, NM_001113494.1); c.533C>G, p.Pro178Arg (NM_001113493.2); c.497C>G, p.Pro166Arg (NM_001293695.2); c.500C>G, p.Pro167Arg (NM_006640.5); short protein forms P166R, P167R, P178R, P185R, P21R.
Identifiers: ClinVar variation 1682612 (VCV001682612.7), dbSNP rs1205387762, ClinGen allele CA401206393.
Genomic context (GRCh38, chr17:77,402,536, plus strand): 5'-TGGAGCCCCCTGCCTCCAAGGTCCCCGAGGTGCCCACTGCCCCTGCCACCGACGCAGCCC[C>G]CAAGAGGGTGGAGATCCAGATGCCCAAGCCTGCTGAGGCGCCCACCGCCCCCAGCCCAGC-3'
Protein context (NP_001106963.1, residues 175-195): VPTAPATDAA[Pro185Arg]KRVEIQMPKP